The following is an entry in ClinVar:

NM_002509.4(NKX2-2):c.716C>T (p.Ala239Val)

Gene: NKX2-2 (NK2 homeobox 2; minus strand). Cytogenetic location: 20p11.22.
Variant type: single nucleotide variant.
Coding change: c.716C>T on transcript NM_002509.4 (MANE Select); coding-DNA position 716, C replaced by T.
Protein change: p.Ala239Val; replaces alanine 239 with valine.
Molecular consequence: missense variant.
Genome position (GRCh38, 1-based): chr20:21,512,029, G>A on the plus strand (C>T on the coding strand, the complement: NKX2-2 is on the minus strand). VCF-style: chr20-21512029-G-A. GRCh37 (hg19) VCF-style: chr20-21492667-G-A.
Other names: short protein forms A239V.
Identifiers: ClinVar variation 1495925 (VCV001495925.8), dbSNP rs763717571, ClinGen allele CA9786189.

ClinVar aggregate classification (germline): Uncertain significance (1 of 4 stars; one submission).

Allele frequency attached by ClinVar (database versions not stated): TOPMed 0.00007; gnomAD 0.00013; gnomAD exomes 0.00020 and 0.00034; ExAC 0.00041.
gnomAD v4.1: 316 of 1,613,658 alleles (0.02%); highest among the groups gnomAD compares: Middle Eastern, 0.13%; 4 homozygotes.

Submission:

Labcorp Genetics (formerly Invitae), Labcorp
Classification: Uncertain significance. Last evaluated: 2023-06-13. Review status: criteria provided, single submitter. Criteria: Invitae Variant Classification Sherloc (09022015). Collection method: clinical testing. Allele origin: germline.
Comment: ClinVar contains an entry for this variant (Variation ID: 1495925). An algorithm developed to predict the effect of missense changes on protein structure and function (PolyPhen-2) suggests that this variant is likely to be tolerated. In summary, the available evidence is currently insufficient to determine the role of this variant in disease. Therefore, it has been classified as a Variant of Uncertain Significance. This sequence change replaces alanine, which is neutral and non-polar, with valine, which is neutral and non-polar, at codon 239 of the NKX2-2 protein (p.Ala239Val). This variant is present in population databases (rs763717571, gnomAD 0.1%). This variant has not been reported in the literature in individuals affected with NKX2-2-related conditions.